The following is an entry in ClinVar:

ClinVar aggregate classification (germline): Conflicting classifications of pathogenicity. Review status: criteria provided, conflicting classifications (1 of 4 stars). 4 submissions from 4 submitters: Uncertain significance (1); Likely benign (3). Last evaluated 2025-10-27.

Conditions:
Catecholaminergic polymorphic ventricular tachycardia (CVPT). Also called: Catecholamine-induced polymorphic ventricular tachycardia. Identifiers: Orphanet 3286, MedGen C5574922, MONDO:0017990.
Catecholaminergic polymorphic ventricular tachycardia 1. Also called: VENTRICULAR TACHYCARDIA, STRESS-INDUCED POLYMORPHIC 1; VENTRICULAR TACHYCARDIA, CATECHOLAMINERGIC POLYMORPHIC, 1, WITH OR WITHOUT ATRIAL DYSFUNCTION AND/OR DILATED CARDIOMYOPATHY; RYR2-Related Catecholaminergic Polymorphic Ventricular Tachycardia. Identifiers: Orphanet 3286, MedGen C1631597, MONDO:0011484, OMIM 604772.
Cardiomyopathy (CMYO). Also called: Cardiomyopathies. Identifiers: Orphanet 167848, MedGen C0878544, MONDO:0004994, HP:0001638. Inheritance: Various modes of inheritance.

Allele frequency attached by ClinVar (database versions not stated): ExAC 0.00001; gnomAD 0.00001; gnomAD exomes 0.00001; TOPMed 0.00001.
gnomAD v4.1: 32 of 1,607,874 alleles (0.002%); highest among the groups gnomAD compares: Non-Finnish European, 0.0027%; no homozygotes.

Submissions (4):

Labcorp Genetics (formerly Invitae), Labcorp
Classification: Likely benign for Catecholaminergic polymorphic ventricular tachycardia 1. Last evaluated: 2025-10-27. Review status: criteria provided, single submitter. Criteria: Invitae Variant Classification Sherloc (09022015). Collection method: clinical testing. Allele origin: germline.

All of Us Research Program, National Institutes of Health
Classification: Likely benign for Catecholaminergic polymorphic ventricular tachycardia. Last evaluated: 2023-12-01. Review status: criteria provided, single submitter. Criteria: ACMG Guidelines, 2015. Collection method: clinical testing. Allele origin: germline. Inheritance: Autosomal dominant inheritance. Observed: 4 variant alleles, 4 heterozygotes.
Comment: This study involves interpretation of variants in research participants for the purpose of population health screening. Participant phenotype was not available at the time of variant classification. Additional details can be found in publication PMID: 35346344, PMCID: PMC8962531

CHEO Genetics Diagnostic Laboratory, Children's Hospital of Eastern Ontario
Classification: Uncertain significance for Cardiomyopathy. Last evaluated: 2021-02-02. Review status: criteria provided, single submitter. Criteria: ACMG Guidelines, 2015. Collection method: clinical testing. Allele origin: germline.

Color Diagnostics, LLC DBA Color Health
Classification: Likely benign for Cardiomyopathy. Last evaluated: 2018-09-29. Review status: criteria provided, single submitter. Criteria: ACMG Guidelines, 2015. Collection method: clinical testing. Allele origin: germline.

NM_001035.3(RYR2):c.8896-9T>C

Gene: RYR2 (ryanodine receptor 2; plus strand). Cytogenetic location: 1q43.
Variant type: single nucleotide variant.
Coding change: c.8896-9T>C on transcript NM_001035.3 (MANE Select); 9 bases into the intron before coding-DNA position 8896, T replaced by C.
Molecular consequence: intron variant.
Genome position (GRCh38, 1-based): chr1:237,680,447, T>C. VCF-style: chr1-237680447-T-C. GRCh37 (hg19) VCF-style: chr1-237843747-T-C.
Other names: c.8896-9T>C (LRG_402t1).
Identifiers: ClinVar variation 463648 (VCV000463648.18), dbSNP rs773401697, ClinGen allele CA087782.
Genomic context (GRCh38, chr1:237,680,447, plus strand): 5'-AGCCTCAGCTCCCATTCATCCCCTGAAAGATTCCACTACGTAGATCTGTCTTCTTTTCCT[T>C]TCTTTCAGGTCGTTCTTCCTTTAATTGATCAGTATTTCAAAAACCATCGTTTATACTTCT-3'